The following is an entry in ClinVar:

NM_019892.6(INPP5E):c.206C>T (p.Pro69Leu)

Gene: INPP5E (inositol polyphosphate-5-phosphatase E; minus strand). Cytogenetic location: 9q34.3.
Variant type: single nucleotide variant.
Coding change: c.206C>T on transcript NM_019892.6 (MANE Select); coding-DNA position 206, C replaced by T.
Protein change: p.Pro69Leu; replaces proline 69 with leucine.
Molecular consequence: missense variant.
Genome position (GRCh38, 1-based): chr9:136,439,214, G>A on the plus strand (C>T on the coding strand, the complement: INPP5E is on the minus strand). VCF-style: chr9-136439214-G-A. GRCh37 (hg19) VCF-style: chr9-139333666-G-A.
Other names: c.206C>T, p.Pro69Leu (NM_001318502.2); short protein forms P69L.
Identifiers: ClinVar variation 4985885 (VCV004985885.1).

ClinVar aggregate classification (germline): Uncertain significance (1 of 4 stars; one submission).

Conditions:
INPP5E-related disorder. Also called: INPP5E-related condition.

Submission:

PreventionGenetics, part of Exact Sciences
Classification: Uncertain significance for INPP5E-related condition. Last evaluated: 2026-08-18. Review status: criteria provided, single submitter. Criteria: ACMG Guidelines, 2015. Collection method: clinical testing. Allele origin: germline.
Comment: The INPP5E c.206C>T variant is predicted to result in the amino acid substitution p.Pro69Leu. To our knowledge, this variant has not been reported in the literature or in a large population database (gnomAD), indicating this variant is rare. At this time, the clinical significance of this variant is uncertain due to the absence of conclusive functional and genetic evidence.